The following is an entry in ClinVar:

ClinVar aggregate classification (germline): Likely benign. Review status: criteria provided, multiple submitters, no conflicts (2 of 4 stars). 2 submissions from 2 submitters: Likely benign (2). Last evaluated 2025-10-07.

Allele frequency attached by ClinVar (database versions not stated): gnomAD exomes 0.00019 and 0.00052; 1000 Genomes Project 0.00020; ExAC 0.00020; gnomAD 0.00025; 1000 Genomes Project 30x 0.00031; TOPMed 0.00035; ESP Exome Variant Server 0.00064.
gnomAD v4.1: 790 of 1,612,866 alleles (0.049%); highest among the groups gnomAD compares: Non-Finnish European, 0.063%; 2 homozygotes.

Submissions (2):

Labcorp Genetics (formerly Invitae), Labcorp
Classification: Likely benign. Last evaluated: 2025-10-07. Review status: criteria provided, single submitter. Criteria: Invitae Variant Classification Sherloc (09022015). Collection method: clinical testing. Allele origin: germline.

CeGaT Center for Human Genetics Tuebingen
Classification: Likely benign. Last evaluated: 2023-03-01. Review status: criteria provided, single submitter. Criteria: CeGaT Center For Human Genetics Tuebingen Variant Classification Criteria Version 2. Collection method: clinical testing. Allele origin: germline. Affected: yes. Observed: 2 variant alleles.
Comment: HIVEP2: BP4, BP7

NM_006734.4(HIVEP2):c.3381G>A (p.Leu1127=)

Gene: HIVEP2 (HIVEP zinc finger 2; minus strand). Cytogenetic location: 6q24.2.
Variant type: single nucleotide variant.
Coding change: c.3381G>A on transcript NM_006734.4 (MANE Select); coding-DNA position 3381, G replaced by A.
Protein change: p.Leu1127=; no amino-acid change (leucine 1127 retained).
Molecular consequence: synonymous variant.
Genome position (GRCh38, 1-based): chr6:142,771,358, C>T on the plus strand (G>A on the coding strand, the complement: HIVEP2 is on the minus strand). VCF-style: chr6-142771358-C-T. GRCh37 (hg19) VCF-style: chr6-143092495-C-T.
Identifiers: ClinVar variation 739834 (VCV000739834.37), dbSNP rs370172910, ClinGen allele CA4028265.